The following is an entry in ClinVar:

ClinVar aggregate classification (germline): Uncertain significance (1 of 4 stars; one submission).

Conditions:
Vici syndrome (VICIS). Identifiers: Orphanet 1493, MedGen C1855772, MONDO:0009452, OMIM 242840.

Allele frequency attached by ClinVar (database versions not stated): gnomAD exomes 0.00001.
gnomAD v4.1: 3 of 1,614,142 alleles (0.00019%); highest among the groups gnomAD compares: Admixed American, 0.005%; no homozygotes.

Submission:

Labcorp Genetics (formerly Invitae), Labcorp
Classification: Uncertain significance for Vici syndrome. Last evaluated: 2022-07-03. Review status: criteria provided, single submitter. Criteria: Invitae Variant Classification Sherloc (09022015). Collection method: clinical testing. Allele origin: germline.
Comment: This sequence change replaces alanine, which is neutral and non-polar, with glycine, which is neutral and non-polar, at codon 1152 of the EPG5 protein (p.Ala1152Gly). This variant is present in population databases (no rsID available, gnomAD 0.009%). This variant has not been reported in the literature in individuals affected with EPG5-related conditions. Algorithms developed to predict the effect of missense changes on protein structure and function are either unavailable or do not agree on the potential impact of this missense change (SIFT: "Deleterious"; PolyPhen-2: "Benign"; Align-GVGD: "Class C0"). In summary, the available evidence is currently insufficient to determine the role of this variant in disease. Therefore, it has been classified as a Variant of Uncertain Significance.

NM_020964.3(EPG5):c.3455C>G (p.Ala1152Gly)

Gene: EPG5 (ectopic P-granules 5 autophagy tethering factor; minus strand). Cytogenetic location: 18q21.1.
Variant type: single nucleotide variant.
Coding change: c.3455C>G on transcript NM_020964.3 (MANE Select); coding-DNA position 3455, C replaced by G.
Protein change: p.Ala1152Gly; replaces alanine 1152 with glycine.
Molecular consequence: missense variant.
Genome position (GRCh38, 1-based): chr18:45,916,136, G>C on the plus strand (C>G on the coding strand, the complement: EPG5 is on the minus strand). VCF-style: chr18-45916136-G-C. GRCh37 (hg19) VCF-style: chr18-43496101-G-C.
Other names: c.3455C>G, p.Ala1152Gly (NM_001410858.1, NM_001410859.1); short protein forms A1152G.
Identifiers: ClinVar variation 2120759 (VCV002120759.1), dbSNP rs1463142683, ClinGen allele CA402342500.